The following is an entry in ClinVar:

ClinVar aggregate classification (germline): Benign (1 of 4 stars; one submission).

Allele frequency attached by ClinVar (database versions not stated): 1000 Genomes Project 30x 0.46190; 1000 Genomes Project 0.46466; TOPMed 0.55182; gnomAD 0.55940 and 0.56107.

Submission:

GeneDx
Classification: Benign. Last evaluated: 2018-06-19. Review status: criteria provided, single submitter. Criteria: GeneDx Variant Classification (06012015). Collection method: clinical testing. Allele origin: germline. Affected: yes.
Comment: This variant is considered likely benign or benign based on one or more of the following criteria: it is a conservative change, it occurs at a poorly conserved position in the protein, it is predicted to be benign by multiple in silico algorithms, and/or has population frequency not consistent with disease.

NM_000232.5(SGCB):c.621+170G>A

Gene: SGCB (sarcoglycan beta; minus strand). Cytogenetic location: 4q12.
Variant type: single nucleotide variant.
Coding change: c.621+170G>A on transcript NM_000232.5 (MANE Select); 170 bases into the intron after coding-DNA position 621, G replaced by A.
Molecular consequence: intron variant.
Genome position (GRCh38, 1-based): chr4:52,028,560, C>T on the plus strand (G>A on the coding strand, the complement: SGCB is on the minus strand). VCF-style: chr4-52028560-C-T. GRCh37 (hg19) VCF-style: chr4-52894726-C-T.
Identifiers: ClinVar variation 670057 (VCV000670057.1), dbSNP rs225169, ClinGen allele CA11687384.
Genomic context (GRCh38, chr4:52,028,560, plus strand): 5'-GTGGCGCGCGCCTGTAGTCCCAGCTACACGGGAGGCTGAGGCAGGAGAATGGCGTGAATC[C>T]GGGAGGCGGAGCTTGCAGTGAGTCGAGATCGCGCCACTGCACTCCAGCCTGGGCGACAGA-3'